The following is an entry in ClinVar:

ClinVar aggregate classification (germline): Uncertain significance (1 of 4 stars; one submission).

Submission:

Labcorp Genetics (formerly Invitae), Labcorp
Classification: Uncertain significance. Last evaluated: 2023-05-19. Review status: criteria provided, single submitter. Criteria: Invitae Variant Classification Sherloc (09022015). Collection method: clinical testing. Allele origin: germline.
Comment: In summary, the available evidence is currently insufficient to determine the role of this variant in disease. Therefore, it has been classified as a Variant of Uncertain Significance. An algorithm developed to predict the effect of missense changes on protein structure and function (PolyPhen-2) suggests that this variant is likely to be disruptive. This variant has not been reported in the literature in individuals affected with IL12RB2-related conditions. This variant is not present in population databases (gnomAD no frequency). This sequence change replaces lysine, which is basic and polar, with methionine, which is neutral and non-polar, at codon 171 of the IL12RB2 protein (p.Lys171Met).

NM_001374259.2(IL12RB2):c.512A>T (p.Lys171Met)

Gene: IL12RB2 (interleukin 12 receptor subunit beta 2; plus strand). Cytogenetic location: 1p31.3.
Variant type: single nucleotide variant.
Coding change: c.512A>T on transcript NM_001374259.2 (MANE Select); coding-DNA position 512, A replaced by T.
Protein change: p.Lys171Met; replaces lysine 171 with methionine.
Molecular consequence: missense variant. On other transcripts: non-coding transcript variant (2).
Genome position (GRCh38, 1-based): chr1:67,328,232, A>T. VCF-style: chr1-67328232-A-T. GRCh37 (hg19) VCF-style: chr1-67793915-A-T.
Other names: c.512A>T, p.Lys171Met (NM_001258214.1, NM_001258215.1, NM_001258216.1 and 2 more transcripts); short protein forms K171M.
Identifiers: ClinVar variation 2865885 (VCV002865885.3), dbSNP rs2525921146, ClinGen allele CA340732850.